The following is an entry in ClinVar:

NM_018897.3(DNAH7):c.3486A>C (p.Ala1162=)

Gene: DNAH7 (dynein axonemal heavy chain 7; minus strand). Cytogenetic location: 2q32.3.
Variant type: single nucleotide variant.
Coding change: c.3486A>C on transcript NM_018897.3 (MANE Select); coding-DNA position 3486, A replaced by C.
Protein change: p.Ala1162=; no amino-acid change (alanine 1162 retained).
Molecular consequence: synonymous variant.
Genome position (GRCh38, 1-based): chr2:195,926,552, T>G on the plus strand (A>C on the coding strand, the complement: DNAH7 is on the minus strand). VCF-style: chr2-195926552-T-G. GRCh37 (hg19) VCF-style: chr2-196791276-T-G.
Identifiers: ClinVar variation 402753 (VCV000402753.5), dbSNP rs1489802, ClinGen allele CA2036028.

ClinVar aggregate classification (germline): Benign. Review status: criteria provided, multiple submitters, no conflicts (2 of 4 stars). 2 submissions from 2 submitters: Benign (2). Last evaluated 2016-03-29.

Allele frequency attached by ClinVar (database versions not stated): gnomAD exomes 0.63275 and 0.59675; TOPMed 0.47245; 1000 Genomes Project 30x 0.47689; 1000 Genomes Project 0.48003; ESP Exome Variant Server 0.48753; gnomAD 0.48854 and 0.49866; ExAC 0.58933.
gnomAD v4.1: 983,898 of 1,591,136 alleles (62%); highest among the groups gnomAD compares: Non-Finnish European, 65%; 314,517 homozygotes.

Submissions (2):

Laboratory for Molecular Medicine, Mass General Brigham Personalized Medicine
Classification: Benign. Last evaluated: 2016-03-29. Review status: criteria provided, single submitter. Criteria: LMM Criteria. Collection method: clinical testing. Allele origin: germline.
Comment: Variant identified in a genome or exome case(s) and assessed due to predicted null impact of the variant or pathogenic assertions in the literature or databases. Disclaimer: This variant has not undergone full assessment. The following are preliminary notes: Frequency

Breakthrough Genomics
Classification: Benign. Review status: criteria provided, single submitter. Criteria: ACMG Guidelines, 2015. Collection method: not provided. Allele origin: germline. Inheritance: Unknown mechanism. Affected: yes.